The following is an entry in ClinVar:

ClinVar aggregate classification (germline): Likely pathogenic (1 of 4 stars; one submission).

Submission:

Labcorp Genetics (formerly Invitae), Labcorp
Classification: Likely pathogenic. Last evaluated: 2023-07-07. Review status: criteria provided, single submitter. Criteria: Invitae Variant Classification Sherloc (09022015). Collection method: clinical testing. Allele origin: germline.
Comment: Algorithms developed to predict the effect of sequence changes on RNA splicing suggest that this variant may disrupt the consensus splice site. In summary, the currently available evidence indicates that the variant is pathogenic, but additional data are needed to prove that conclusively. Therefore, this variant has been classified as Likely Pathogenic. This variant has not been reported in the literature in individuals affected with VPS13A-related conditions. This variant is not present in population databases (gnomAD no frequency). This sequence change affects a donor splice site in intron 30 of the VPS13A gene. It is expected to disrupt RNA splicing. Variants that disrupt the donor or acceptor splice site typically lead to a loss of protein function (PMID: 16199547), and loss-of-function variants in VPS13A are known to be pathogenic (PMID: 12404112, 21598378).

Literature cited by the submitters: PubMed 16199547; PubMed 12404112; PubMed 21598378.

NM_033305.3(VPS13A):c.3235+1G>T

Gene: VPS13A (vacuolar protein sorting 13 homolog A; plus strand). Cytogenetic location: 9q21.2.
Variant type: single nucleotide variant.
Coding change: c.3235+1G>T on transcript NM_033305.3 (MANE Select); the canonical splice donor site of the intron after coding-DNA position 3235, G replaced by T.
Molecular consequence: splice donor variant. On other transcripts: intron variant (1).
Genome position (GRCh38, 1-based): chr9:77,283,472, G>T. VCF-style: chr9-77283472-G-T. GRCh37 (hg19) VCF-style: chr9-79898388-G-T.
Other names: c.3119-75G>T (NM_001018037.2); c.3235+1G>T (NM_015186.4, NM_001018038.3).
Identifiers: ClinVar variation 2791716 (VCV002791716.3), dbSNP rs2537848135, ClinGen allele CA373847027.